The following is an entry in ClinVar:

NM_022047.4(DEF6):c.995AGCGGGAGC[1] (p.332QRE[1])

Gene: DEF6 (DEF6 guanine nucleotide exchange factor; plus strand). Cytogenetic location: 6p21.31.
Variant type: Microsatellite.
Coding change: c.995AGCGGGAGC[1] on transcript NM_022047.4 (MANE Select); one copy of the 9-base unit AGCGGGAGC starting at c.995; the reference has two copies in a row; one copy, 9 bases deleted.
Protein change: p.332QRE[1].
Molecular consequence: inframe deletion.
Genome position (GRCh38, 1-based): chr6:35,318,260-35,318,268, AGCGGGAGC deleted; deleting any 9 consecutive bases within chr6:35,318,247-35,318,268 gives the same sequence; the position shown is the placement nearest the transcript's 3' end. VCF-style (leftmost placement, unchanged base first): chr6-35318246-CGAGCAGCGG-C. GRCh37 (hg19) VCF-style: chr6-35286023-CGAGCAGCGG-C.
Identifiers: ClinVar variation 1418428 (VCV001418428.5), dbSNP rs781078093, ClinGen allele CA3770863.

ClinVar aggregate classification (germline): Uncertain significance (1 of 4 stars; one submission).

Submission:

Labcorp Genetics (formerly Invitae), Labcorp
Classification: Uncertain significance. Last evaluated: 2024-02-17. Review status: criteria provided, single submitter. Criteria: Invitae Variant Classification Sherloc (09022015). Collection method: clinical testing. Allele origin: germline.
Comment: This variant, c.1004_1012del, results in the deletion of 3 amino acid(s) of the DEF6 protein (p.Gln335_Glu337del), but otherwise preserves the integrity of the reading frame. This variant is present in population databases (rs781078093, gnomAD 0.01%). This variant has not been reported in the literature in individuals affected with DEF6-related conditions. Experimental studies and prediction algorithms are not available or were not evaluated, and the functional significance of this variant is currently unknown. In summary, the available evidence is currently insufficient to determine the role of this variant in disease. Therefore, it has been classified as a Variant of Uncertain Significance.